The following is an entry in ClinVar:

ClinVar aggregate classification (germline): Uncertain significance (1 of 4 stars; one submission).

Submission:

GeneDx
Classification: Uncertain significance. Last evaluated: 2025-07-15. Review status: criteria provided, single submitter. Criteria: GeneDx Variant Classification Process June 2021. Collection method: clinical testing. Allele origin: germline. Affected: yes.
Comment: Not observed at significant frequency in large population cohorts (gnomAD); In silico analysis supports that this missense variant has a deleterious effect on protein structure/function; Has not been previously published as pathogenic or benign to our knowledge; This substitution is predicted to be within the transmembrane segment S1 of the first homologous domain

NM_001330260.2(SCN8A):c.442T>C (p.Phe148Leu)

Gene: SCN8A (sodium voltage-gated channel alpha subunit 8; plus strand). Cytogenetic location: 12q13.13.
Variant type: single nucleotide variant.
Coding change: c.442T>C on transcript NM_001330260.2 (MANE Select); coding-DNA position 442, T replaced by C.
Protein change: p.Phe148Leu; replaces phenylalanine 148 with leucine.
Molecular consequence: missense variant.
Genome position (GRCh38, 1-based): chr12:51,686,414, T>C. VCF-style: chr12-51686414-T-C. GRCh37 (hg19) VCF-style: chr12-52080198-T-C.
Other names: c.442T>C, p.Phe148Leu (NM_001177984.3, NM_001369788.1, NM_014191.4); short protein forms F148L.
Identifiers: ClinVar variation 4686452 (VCV004686452.1).